The following is an entry in ClinVar:

NM_005027.4(PIK3R2):c.764_781dup (p.Pro260_Pro261insLeuArgAlaProProPro)

Genes: PIK3R2 (phosphoinositide-3-kinase regulatory subunit 2; plus strand), LOC130063979 (ATAC-STARR-seq lymphoblastoid silent region 10375; plus strand). Cytogenetic location: 19p13.11.
Variant type: Duplication.
Coding change: c.764_781dup on transcript NM_005027.4 (MANE Select); coding-DNA positions 764 to 781, 18 bases duplicated (TGCGCGCGCCGCCGCCGC).
Protein change: p.Pro260_Pro261insLeuArgAlaProProPro.
Molecular consequence: inframe insertion. On other transcripts: non-coding transcript variant (1).
Genome position (GRCh38, 1-based): chr19:18,161,444-18,161,461, TGCGCGCGCCGCCGCCGC duplicated; duplicating any 18 consecutive bases within chr19:18,161,442-18,161,461 gives the same sequence; the c. name uses the placement nearest the transcript's 3' end. VCF-style (leftmost placement, unchanged base first): chr19-18161441-T-TGCTGCGCGCGCCGCCGCC. GRCh37 (hg19) VCF-style: chr19-18272251-T-TGCTGCGCGCGCCGCCGCC.
Identifiers: ClinVar variation 4861905 (VCV004861905.1).

ClinVar aggregate classification (germline): Uncertain significance (1 of 4 stars; one submission).

Conditions:
Inborn genetic diseases. Identifiers: MedGen C0950123, MeSH D030342.

Submission:

Ambry Genetics
Classification: Uncertain significance for Inborn genetic diseases. Last evaluated: 2026-05-26. Review status: criteria provided, single submitter. Criteria: Ambry Variant Classification Scheme 2023. Collection method: clinical testing. Allele origin: germline.
Comment: The c.764_781dup18 (p.L255_P260dup) variant, located in exon 6 (coding exon 5) of the PIK3R2 gene, results from an in-frame duplication of 18 nucleotides at positions c.764 to c.781. This results in the insertion of 6 amino acids between codons p.255 and p.260. This variant was not reported in population-based cohorts in the Genome Aggregation Database (gnomAD). This amino acid positions are conserved on limited species alignment. Based on insufficient or conflicting evidence, the clinical significance of this alteration remains unclear.